The following is an entry in ClinVar:

NM_004385.5(VCAN):c.6415A>G (p.Ile2139Val)

Genes: VCAN (versican; plus strand), VCAN-AS1 (VCAN antisense RNA 1; minus strand). Cytogenetic location: 5q14.3.
Variant type: single nucleotide variant.
Coding change: c.6415A>G on transcript NM_004385.5 (MANE Select); coding-DNA position 6415, A replaced by G.
Protein change: p.Ile2139Val; replaces isoleucine 2139 with valine.
Molecular consequence: missense variant. On other transcripts: intron variant (2).
Genome position (GRCh38, 1-based): chr5:83,539,418, A>G. VCF-style: chr5-83539418-A-G. GRCh37 (hg19) VCF-style: chr5-82835237-A-G.
Other names: c.3454A>G, p.Ile1152Val (NM_001164097.2); c.4004-6119A>G (NM_001164098.2); c.1043-6119A>G (NM_001126336.3); short protein forms I2139V, I1152V.
Identifiers: ClinVar variation 1514093 (VCV001514093.8), dbSNP rs1351326438, ClinGen allele CA360312508.
Genomic context (GRCh38, chr5:83,539,418, plus strand): 5'-CAAATTCAAGAAGAAAAGTCATTTGAATCCCCTCAAAACTCTCCTGCAACAGAACAAACA[A>G]TCTTTGATTCACAGACATTTACTGAAACTGAACTCAAAACCACAGATTATTCTGTACTAA-3'
Protein context (NP_004376.2, residues 2129-2149): PQNSPATEQT[Ile2139Val]FDSQTFTETE

ClinVar aggregate classification (germline): Uncertain significance (1 of 4 stars; one submission).

Allele frequency attached by ClinVar (database versions not stated): gnomAD exomes below 0.00001 and 0.00001; gnomAD 0.00001; TOPMed 0.00002.
gnomAD v4.1: 5 of 1,613,714 alleles (0.00031%); highest among the groups gnomAD compares: African/African-American, 0.0067%; no homozygotes.

Submission:

Labcorp Genetics (formerly Invitae), Labcorp
Classification: Uncertain significance. Last evaluated: 2024-12-24. Review status: criteria provided, single submitter. Criteria: Invitae Variant Classification Sherloc (09022015). Collection method: clinical testing. Allele origin: germline.
Comment: This sequence change replaces isoleucine, which is neutral and non-polar, with valine, which is neutral and non-polar, at codon 2139 of the VCAN protein (p.Ile2139Val). This variant is present in population databases (no rsID available, gnomAD 0.01%). This variant has not been reported in the literature in individuals affected with VCAN-related conditions. ClinVar contains an entry for this variant (Variation ID: 1514093). An algorithm developed to predict the effect of missense changes on protein structure and function (PolyPhen-2) suggests that this variant is likely to be tolerated. In summary, the available evidence is currently insufficient to determine the role of this variant in disease. Therefore, it has been classified as a Variant of Uncertain Significance.